The following is an entry in ClinVar:

ClinVar aggregate classification (germline): Conflicting classifications of pathogenicity. Review status: criteria provided, conflicting classifications (1 of 4 stars). 3 submissions from 3 submitters: Likely pathogenic (1); Uncertain significance (2). Last evaluated 2025-04-09.

Conditions:
Mucopolysaccharidosis, MPS-IV-A (MPS4A). Also called: Mucopolysaccharidosis type IV A; Mucopolysaccharidosis Type IVA; Morquio syndrome A, mild; MORQUIO SYNDROME A; MPS IVA; mucopolysaccharidosis type 4A. Identifiers: Orphanet 309297, Orphanet 582, MedGen C0086651, MONDO:0009659, OMIM 253000.

Allele frequency attached by ClinVar (database versions not stated): ExAC 0.00001; gnomAD 0.00001; gnomAD exomes 0.00001 and 0.00002; TOPMed 0.00001.
gnomAD v4.1: 21 of 1,613,648 alleles (0.0013%); highest among the groups gnomAD compares: Middle Eastern, 0.016%; no homozygotes.

Submissions (3):

Labcorp Genetics (formerly Invitae), Labcorp
Classification: Likely pathogenic for Mucopolysaccharidosis, MPS-IV-A. Last evaluated: 2025-04-09. Review status: criteria provided, single submitter. Criteria: Invitae Variant Classification Sherloc (09022015). Collection method: clinical testing. Allele origin: germline.
Comment: This sequence change replaces glycine, which is neutral and non-polar, with serine, which is neutral and polar, at codon 304 of the GALNS protein (p.Gly304Ser). This variant is present in population databases (rs764070268, gnomAD 0.01%). This variant has not been reported in the literature in individuals affected with GALNS-related conditions. ClinVar contains an entry for this variant (Variation ID: 1057265). Invitae Evidence Modeling of protein sequence and biophysical properties (such as structural, functional, and spatial information, amino acid conservation, physicochemical variation, residue mobility, and thermodynamic stability) indicates that this missense variant is expected to disrupt GALNS protein function with a positive predictive value of 95%. This variant disrupts the p.Gly304 amino acid residue in GALNS. Other variant(s) that disrupt this residue have been determined to be pathogenic (PMID: 34387910; internal data). This suggests that this residue is clinically significant, and that variants that disrupt this residue are likely to be disease-causing. In summary, the currently available evidence indicates that the variant is pathogenic, but additional data are needed to prove that conclusively. Therefore, this variant has been classified as Likely Pathogenic.

Fulgent Genetics
Classification: Uncertain significance for Mucopolysaccharidosis, MPS-IV-A. Last evaluated: 2024-01-23. Review status: criteria provided, single submitter. Criteria: ACMG Guidelines, 2015. Collection method: clinical testing. Allele origin: germline.

Women's Health and Genetics/Laboratory Corporation of America, LabCorp
Classification: Uncertain significance. Last evaluated: 2023-06-01. Review status: criteria provided, single submitter. Criteria: LabCorp Variant Classification Summary - May 2015. Collection method: clinical testing. Allele origin: germline.
Comment: Variant summary: GALNS c.910G>A (p.Gly304Ser) results in a non-conservative amino acid change located in the N-terminal Sulfatase domain (IPR000917) of the encoded protein sequence. Five of five in-silico tools predict a damaging effect of the variant on protein function. The variant allele was found at a frequency of 2e-05 in 249868 control chromosomes in GnomAD. The available data on variant occurrences in the general population are insufficient to allow any conclusion about variant significance. c.910G>A has been reported in the literature in two individuals affected with late-onset movement disorders without strong evidence for causality (Zhao_2021). This report does not provide unequivocal conclusions about association of the variant with Mucopolysaccharidosis Type IVA (Morquio Syndrome A). To our knowledge, no experimental evidence demonstrating an impact on protein function has been reported. The following publication has been ascertained in the context of this evaluation (PMID: 34867278). One clinical diagnostic laboratory has submitted clinical-significance assessments for this variant to ClinVar after 2014 without evidence for independent evaluation and classified the variant as uncertain significance. Based on the evidence outlined above, the variant was classified as uncertain significance.

Literature cited by the submitters: PubMed 34387910 (cited by Labcorp Genetics (formerly Invitae), Labcorp); PubMed 34867278 (cited by Women's Health and Genetics/Laboratory Corporation of America, LabCorp).

NM_000512.5(GALNS):c.910G>A (p.Gly304Ser)

Gene: GALNS (galactosamine (N-acetyl)-6-sulfatase; minus strand). Cytogenetic location: 16q24.3.
Variant type: single nucleotide variant.
Coding change: c.910G>A on transcript NM_000512.5 (MANE Select); coding-DNA position 910, G replaced by A.
Protein change: p.Gly304Ser; replaces glycine 304 with serine.
Molecular consequence: missense variant.
Genome position (GRCh38, 1-based): chr16:88,832,090, C>T on the plus strand (G>A on the coding strand, the complement: GALNS is on the minus strand). VCF-style: chr16-88832090-C-T. GRCh37 (hg19) VCF-style: chr16-88898498-C-T.
Other names: c.355G>A, p.Gly119Ser (NM_001323543.2); c.928G>A, p.Gly310Ser (NM_001323544.2); c.910G>A (NM_000512.4); short protein forms G119S, G304S, G310S.
Identifiers: ClinVar variation 1057265 (VCV001057265.8), dbSNP rs764070268, ClinGen allele CA8234907.